The following is an entry in ClinVar:

ClinVar aggregate classification (germline): Uncertain significance (1 of 4 stars; one submission).

Conditions:
DICER1-related tumor predisposition. Also called: DICER1 syndrome; DICER1-related pleuropulmonary blastoma cancer predisposition syndrome. Identifiers: Orphanet 284343, MedGen C3839822, MONDO:0100216.

Allele frequency attached by ClinVar (database versions not stated): gnomAD exomes below 0.00001.

Submission:

Labcorp Genetics (formerly Invitae), Labcorp
Classification: Uncertain significance for DICER1-related tumor predisposition. Last evaluated: 2023-05-01. Review status: criteria provided, single submitter. Criteria: Invitae Variant Classification Sherloc (09022015). Collection method: clinical testing. Allele origin: germline.
Comment: This sequence change replaces alanine, which is neutral and non-polar, with threonine, which is neutral and polar, at codon 1655 of the DICER1 protein (p.Ala1655Thr). This variant is not present in population databases (gnomAD no frequency). This variant has not been reported in the literature in individuals affected with DICER1-related conditions. An algorithm developed to predict the effect of missense changes on protein structure and function (PolyPhen-2) suggests that this variant is likely to be tolerated. In summary, the available evidence is currently insufficient to determine the role of this variant in disease. Therefore, it has been classified as a Variant of Uncertain Significance.

NM_177438.3(DICER1):c.4963G>A (p.Ala1655Thr)

Gene: DICER1 (dicer 1, ribonuclease III; minus strand). Cytogenetic location: 14q32.13.
Variant type: single nucleotide variant.
Coding change: c.4963G>A on transcript NM_177438.3 (MANE Select); coding-DNA position 4963, G replaced by A.
Protein change: p.Ala1655Thr; replaces alanine 1655 with threonine.
Molecular consequence: missense variant. On other transcripts: non-coding transcript variant (6).
Genome position (GRCh38, 1-based): chr14:95,095,957, C>T on the plus strand (G>A on the coding strand, the complement: DICER1 is on the minus strand). VCF-style: chr14-95095957-C-T. GRCh37 (hg19) VCF-style: chr14-95562294-C-T.
Other names: c.4558G>A, p.Ala1520Thr (NM_001395690.1, NM_001395696.1, NM_001395687.1 and 2 more transcripts); c.4396G>A, p.Ala1466Thr (NM_001395691.1); c.4963G>A, p.Ala1655Thr (NM_001395692.1, NM_001395693.1, NM_001395694.1 and 13 more transcripts); c.3280G>A, p.Ala1094Thr (NM_001395697.1); c.4681G>A, p.Ala1561Thr (NM_001395686.1); short protein forms A1466T, A1655T, A1094T, A1520T, A1561T.
Identifiers: ClinVar variation 3000572 (VCV003000572.3), dbSNP rs2139839651, ClinGen allele CA390866212.